The following is an entry in ClinVar:

NM_006389.5(HYOU1):c.2369C>T (p.Thr790Ile)

Gene: HYOU1 (hypoxia up-regulated 1; minus strand). Cytogenetic location: 11q23.3.
Variant type: single nucleotide variant.
Coding change: c.2369C>T on transcript NM_006389.5 (MANE Select); coding-DNA position 2369, C replaced by T.
Protein change: p.Thr790Ile; replaces threonine 790 with isoleucine.
Molecular consequence: missense variant.
Genome position (GRCh38, 1-based): chr11:119,048,255, G>A on the plus strand (C>T on the coding strand, the complement: HYOU1 is on the minus strand). VCF-style: chr11-119048255-G-A. GRCh37 (hg19) VCF-style: chr11-118918967-G-A.
Other names: c.2369C>T, p.Thr790Ile (NM_001130991.3, NM_001411041.1); c.2369C>T (NM_006389.3); short protein forms T790I.
Identifiers: ClinVar variation 2787696 (VCV002787696.4), dbSNP rs996948821, ClinGen allele CA229618493.
Genomic context (GRCh38, chr11:119,048,255, plus strand): 5'-GGAGAGGAAGGAGAGCTCCCACTCCACCTGCCATGTCCTGAGAGGCCCCTCACCACTGTG[G>A]TGGCTCCAACACCCTCATCCTCCAGCCAGGTGGATGCGGCGCTGAGCTTCCCAGAGATCT-3'
Protein context (NP_006380.1, residues 780-800): TWLEDEGVGA[Thr790Ile]TVMLKEKLAE

ClinVar aggregate classification (germline): Uncertain significance. Review status: criteria provided, multiple submitters, no conflicts (2 of 4 stars). 2 submissions from 2 submitters: Uncertain significance (2). Last evaluated 2026-01-18.

gnomAD v4.1: 4 of 1,611,194 alleles (0.00025%); highest among the groups gnomAD compares: East Asian, 0.0022%; no homozygotes.

Submissions (2):

Labcorp Genetics (formerly Invitae), Labcorp
Classification: Uncertain significance. Last evaluated: 2026-01-18. Review status: criteria provided, single submitter. Criteria: Invitae Variant Classification Sherloc (09022015). Collection method: clinical testing. Allele origin: germline.
Comment: This sequence change replaces threonine, which is neutral and polar, with isoleucine, which is neutral and non-polar, at codon 790 of the HYOU1 protein (p.Thr790Ile). This variant is present in population databases (no rsID available, gnomAD 0.006%). This variant has not been reported in the literature in individuals affected with HYOU1-related conditions. ClinVar contains an entry for this variant (Variation ID: 2787696). An algorithm developed to predict the effect of missense changes on protein structure and function (PolyPhen-2) suggests that this variant is likely to be tolerated. In summary, the available evidence is currently insufficient to determine the role of this variant in disease. Therefore, it has been classified as a Variant of Uncertain Significance.

Ambry Genetics
Classification: Uncertain significance. Last evaluated: 2024-03-30. Review status: criteria provided, single submitter. Criteria: Ambry Variant Classification Scheme 2023. Collection method: clinical testing. Allele origin: germline.